The following is an entry in ClinVar:

ClinVar aggregate classification (germline): Uncertain significance (1 of 4 stars; one submission).

Conditions:
Peroxisome biogenesis disorder 9B. Also called: PEX7-Related Refsum Disease; Refsum disease, adult, 2; PEROXISOME BIOGENESIS DISORDER, PEX7-RELATED, ATYPICAL. Identifiers: Orphanet 773, MedGen C2749346, MONDO:0013945, OMIM 614879.

gnomAD v4.1: 11 of 1,611,136 alleles (0.00068%); highest among the groups gnomAD compares: East Asian, 0.0022%; no homozygotes.

Submission:

Labcorp Genetics (formerly Invitae), Labcorp
Classification: Uncertain significance for Peroxisome biogenesis disorder 9B. Last evaluated: 2022-10-25. Review status: criteria provided, single submitter. Criteria: Invitae Variant Classification Sherloc (09022015). Collection method: clinical testing. Allele origin: germline.
Comment: This sequence change replaces cysteine, which is neutral and slightly polar, with glycine, which is neutral and non-polar, at codon 170 of the PEX7 protein (p.Cys170Gly). This variant is present in population databases (rs373624730, gnomAD 0.006%). This variant has not been reported in the literature in individuals affected with PEX7-related conditions. Algorithms developed to predict the effect of missense changes on protein structure and function are either unavailable or do not agree on the potential impact of this missense change (SIFT: "Deleterious"; PolyPhen-2: "Possibly Damaging"; Align-GVGD: "Class C0"). In summary, the available evidence is currently insufficient to determine the role of this variant in disease. Therefore, it has been classified as a Variant of Uncertain Significance.

NM_000288.4(PEX7):c.508T>G (p.Cys170Gly)

Gene: PEX7 (peroxisomal biogenesis factor 7; plus strand). Cytogenetic location: 6q23.3.
Variant type: single nucleotide variant.
Coding change: c.508T>G on transcript NM_000288.4 (MANE Select); coding-DNA position 508, T replaced by G.
Protein change: p.Cys170Gly; replaces cysteine 170 with glycine.
Molecular consequence: missense variant.
Genome position (GRCh38, 1-based): chr6:136,846,163, T>G. VCF-style: chr6-136846163-T-G. GRCh37 (hg19) VCF-style: chr6-137167301-T-G.
Other names: c.394T>G, p.Cys132Gly (NM_001410945.1); short protein forms C170G, C132G.
Identifiers: ClinVar variation 2165335 (VCV002165335.1), dbSNP rs373624730, ClinGen allele CA4017633.